The following is an entry in ClinVar:

NM_006035.4(CDC42BPB):c.2627G>C (p.Arg876Pro)

Gene: CDC42BPB (CDC42 binding protein kinase beta; minus strand). Cytogenetic location: 14q32.32.
Variant type: single nucleotide variant.
Coding change: c.2627G>C on transcript NM_006035.4 (MANE Select); coding-DNA position 2627, G replaced by C.
Protein change: p.Arg876Pro; replaces arginine 876 with proline.
Molecular consequence: missense variant.
Genome position (GRCh38, 1-based): chr14:102,964,601, C>G on the plus strand (G>C on the coding strand, the complement: CDC42BPB is on the minus strand). VCF-style: chr14-102964601-C-G. GRCh37 (hg19) VCF-style: chr14-103430938-C-G.
Other names: c.2627G>C (NM_006035.3); short protein forms R876P.
Identifiers: ClinVar variation 694467 (VCV000694467.4), dbSNP rs1595472739, ClinGen allele CA391082757.

ClinVar aggregate classification (germline): Likely pathogenic. Review status: criteria provided, multiple submitters, no conflicts (2 of 4 stars). 2 submissions from 2 submitters: Likely pathogenic (2). Last evaluated 2023-05-25.

Conditions:
CDC42BPB-related neurodevelopmental syndrome.

Submissions (2):

GeneDx
Classification: Likely pathogenic. Last evaluated: 2023-05-25. Review status: criteria provided, single submitter. Criteria: GeneDx Variant Classification Process June 2021. Collection method: clinical testing. Allele origin: germline. Affected: yes.
Comment: Not observed at significant frequency in large population cohorts (gnomAD); In silico analysis supports that this missense variant has a deleterious effect on protein structure/function; This variant is associated with the following publications: (PMID: 32031333)

Wendy Chung Laboratory, Boston Children's Hospital
Classification: Likely pathogenic for CDC42BPB-related neurodevelopmental syndrome. Last evaluated: 2019-09-10. Review status: criteria provided, single submitter. Criteria: ACMG Guidelines, 2015. Collection method: research. Allele origin: de novo. Affected: yes. Observed: 1 variant allele.